The following is an entry in ClinVar:

ClinVar aggregate classification (germline): Uncertain significance (1 of 4 stars; one submission).

Allele frequency attached by ClinVar (database versions not stated): gnomAD exomes below 0.00001; gnomAD 0.00001; ExAC 0.00002; TOPMed 0.00002; ESP Exome Variant Server 0.00008.
gnomAD v4.1: 6 of 1,613,984 alleles (0.00037%); highest among the groups gnomAD compares: African/African-American, 0.0067%; no homozygotes.

Submission:

Labcorp Genetics (formerly Invitae), Labcorp
Classification: Uncertain significance. Last evaluated: 2021-09-24. Review status: criteria provided, single submitter. Criteria: Invitae Variant Classification Sherloc (09022015). Collection method: clinical testing. Allele origin: germline.
Comment: This sequence change replaces threonine with alanine at codon 72 of the EXOSC9 protein (p.Thr72Ala). The threonine residue is highly conserved and there is a small physicochemical difference between threonine and alanine. This variant is present in population databases (rs373910984, ExAC 0.02%). This variant has not been reported in the literature in individuals with EXOSC9-related conditions. Algorithms developed to predict the effect of missense changes on protein structure and function are either unavailable or do not agree on the potential impact of this missense change (SIFT: "Deleterious"; PolyPhen-2: "Benign"; Align-GVGD: "Class C0"). Algorithms developed to predict the effect of sequence changes on RNA splicing suggest that this variant may create or strengthen a splice site, but this prediction has not been confirmed by published transcriptional studies. In summary, the available evidence is currently insufficient to determine the role of this variant in disease. Therefore, it has been classified as a Variant of Uncertain Significance.

NM_005033.3(EXOSC9):c.214A>G (p.Thr72Ala)

Gene: EXOSC9 (exosome component 9; plus strand). Cytogenetic location: 4q27.
Variant type: single nucleotide variant.
Coding change: c.214A>G on transcript NM_005033.3 (MANE Select); coding-DNA position 214, A replaced by G.
Protein change: p.Thr72Ala; replaces threonine 72 with alanine.
Molecular consequence: missense variant.
Genome position (GRCh38, 1-based): chr4:121,802,726, A>G. VCF-style: chr4-121802726-A-G. GRCh37 (hg19) VCF-style: chr4-122723881-A-G.
Other names: c.214A>G, p.Thr72Ala (NM_001034194.2); short protein forms T72A.
Identifiers: ClinVar variation 1350513 (VCV001350513.5), dbSNP rs373910984, ClinGen allele CA3063327.
Genomic context (GRCh38, chr4:121,802,726, plus strand): 5'-CTTTGCAGAGTTCTTGGACAGGTTTCCTGTGAACTTGTGTCTCCAAAACTCAATCGGGCA[A>G]CAGAAGGTATTCTTTTTTTTAACCTTGAACTCTCTCAGATGGCCGCTCCAGCTTTCGAAC-3'
Protein context (NP_005024.2, residues 62-82): ELVSPKLNRA[Thr72Ala]EGILFFNLEL